The following is an entry in ClinVar:

NM_017739.4(POMGNT1):c.212A>G (p.Asp71Gly)

Gene: POMGNT1 (protein O-linked mannose N-acetylglucosaminyltransferase 1 (beta 1,2-); minus strand). Cytogenetic location: 1p34.1.
Variant type: single nucleotide variant.
Coding change: c.212A>G on transcript NM_017739.4 (MANE Select); coding-DNA position 212, A replaced by G.
Protein change: p.Asp71Gly; replaces aspartic acid 71 with glycine.
Molecular consequence: missense variant. On other transcripts: 5 prime UTR variant (1).
Genome position (GRCh38, 1-based): chr1:46,196,993, T>C on the plus strand (A>G on the coding strand, the complement: POMGNT1 is on the minus strand). VCF-style: chr1-46196993-T-C. GRCh37 (hg19) VCF-style: chr1-46662665-T-C.
Other names: c.212A>G, p.Asp71Gly (NM_001243766.2, NM_001410783.1); c.146A>G, p.Asp49Gly (NM_001290129.3); c.-218A>G (NM_001290130.2); short protein forms D49G, D71G.
Identifiers: ClinVar variation 1809934 (VCV001809934.1), dbSNP rs753063524, ClinGen allele CA340191908.

ClinVar aggregate classification (germline): Uncertain significance (1 of 4 stars; one submission).

gnomAD v4.1: 24 of 1,614,102 alleles (0.0015%); highest among the groups gnomAD compares: African/African-American, 0.0027%; no homozygotes.

Submission:

GeneDx
Classification: Uncertain significance. Last evaluated: 2022-06-29. Review status: criteria provided, single submitter. Criteria: GeneDx Variant Classification Process June 2021. Collection method: clinical testing. Allele origin: germline. Affected: yes.
Comment: Not observed at significant frequency in large population cohorts (gnomAD); In silico analysis supports that this missense variant does not alter protein structure/function; Has not been previously published as pathogenic or benign to our knowledge; This variant is associated with the following publications: (PMID: 24282183)